The following is an entry in ClinVar:

NM_000287.4(PEX6):c.2850C>G (p.Asp950Glu)

Gene: PEX6 (peroxisomal biogenesis factor 6; minus strand). Cytogenetic location: 6p21.1.
Variant type: single nucleotide variant.
Coding change: c.2850C>G on transcript NM_000287.4 (MANE Select); coding-DNA position 2850, C replaced by G.
Protein change: p.Asp950Glu; replaces aspartic acid 950 with glutamic acid.
Molecular consequence: missense variant. On other transcripts: non-coding transcript variant (1).
Genome position (GRCh38, 1-based): chr6:42,964,428, G>C on the plus strand (C>G on the coding strand, the complement: PEX6 is on the minus strand). VCF-style: chr6-42964428-G-C. GRCh37 (hg19) VCF-style: chr6-42932166-G-C.
Other names: c.2586C>G, p.Asp862Glu (NM_001316313.2); short protein forms D862E, D950E.
Identifiers: ClinVar variation 1488597 (VCV001488597.5), dbSNP rs1251800022, ClinGen allele CA364149953.

ClinVar aggregate classification (germline): Uncertain significance (1 of 4 stars; one submission).

Conditions:
Peroxisome biogenesis disorder. Identifiers: Orphanet 79189, MedGen C1832200, MONDO:0019234. Disease mechanism: loss of function.

Allele frequency attached by ClinVar (database versions not stated): gnomAD exomes below 0.00001.
gnomAD v4.1: 7 of 1,613,756 alleles (0.00043%); highest among the groups gnomAD compares: Admixed American, 0.0033%; no homozygotes.

Submission:

Labcorp Genetics (formerly Invitae), Labcorp
Classification: Uncertain significance for Peroxisome biogenesis disorder. Last evaluated: 2021-10-21. Review status: criteria provided, single submitter. Criteria: Invitae Variant Classification Sherloc (09022015). Collection method: clinical testing. Allele origin: germline.
Comment: In summary, the available evidence is currently insufficient to determine the role of this variant in disease. Therefore, it has been classified as a Variant of Uncertain Significance. Algorithms developed to predict the effect of missense changes on protein structure and function are either unavailable or do not agree on the potential impact of this missense change (SIFT: "Tolerated"; PolyPhen-2: "Probably Damaging"; Align-GVGD: "Class C0"). This variant has not been reported in the literature in individuals affected with PEX6-related conditions. This variant is not present in population databases (ExAC no frequency). This sequence change replaces aspartic acid with glutamic acid at codon 950 of the PEX6 protein (p.Asp950Glu). The aspartic acid residue is highly conserved and there is a small physicochemical difference between aspartic acid and glutamic acid.